The following is an entry in ClinVar:

ClinVar aggregate classification (germline): Uncertain significance. Review status: criteria provided, multiple submitters, no conflicts (2 of 4 stars). 2 submissions from 2 submitters: Uncertain significance (2). Last evaluated 2024-02-24.

Allele frequency attached by ClinVar (database versions not stated): gnomAD exomes 0.00001; TOPMed 0.00001; ExAC 0.00002.
gnomAD v4.1: 9 of 1,613,668 alleles (0.00056%); highest among the groups gnomAD compares: Non-Finnish European, 0.00076%; no homozygotes.

Submissions (2):

Labcorp Genetics (formerly Invitae), Labcorp
Classification: Uncertain significance. Last evaluated: 2024-02-24. Review status: criteria provided, single submitter. Criteria: Invitae Variant Classification Sherloc (09022015). Collection method: clinical testing. Allele origin: germline.
Comment: This sequence change replaces proline, which is neutral and non-polar, with alanine, which is neutral and non-polar, at codon 646 of the IMPG1 protein (p.Pro646Ala). This variant is present in population databases (rs761616758, gnomAD 0.003%). This variant has not been reported in the literature in individuals affected with IMPG1-related conditions. ClinVar contains an entry for this variant (Variation ID: 965688). An algorithm developed to predict the effect of missense changes on protein structure and function (PolyPhen-2) suggests that this variant is likely to be disruptive. In summary, the available evidence is currently insufficient to determine the role of this variant in disease. Therefore, it has been classified as a Variant of Uncertain Significance.

Blueprint Genetics
Classification: Uncertain significance. Last evaluated: 2020-05-27. Review status: criteria provided, single submitter. Criteria: ACMG Guidelines, 2015. Collection method: clinical testing. Allele origin: germline.

NM_001563.4(IMPG1):c.1936C>G (p.Pro646Ala)

Gene: IMPG1 (interphotoreceptor matrix proteoglycan 1; minus strand). Cytogenetic location: 6q14.1.
Variant type: single nucleotide variant.
Coding change: c.1936C>G on transcript NM_001563.4 (MANE Select); coding-DNA position 1936, C replaced by G.
Protein change: p.Pro646Ala; replaces proline 646 with alanine.
Molecular consequence: missense variant.
Genome position (GRCh38, 1-based): chr6:75,947,422, G>C on the plus strand (C>G on the coding strand, the complement: IMPG1 is on the minus strand). VCF-style: chr6-75947422-G-C. GRCh37 (hg19) VCF-style: chr6-76657139-G-C.
Other names: c.1702C>G, p.Pro568Ala (NM_001282368.2); short protein forms P568A, P646A.
Identifiers: ClinVar variation 965688 (VCV000965688.10), dbSNP rs761616758, ClinGen allele CA3898004.